The following is an entry in ClinVar:

ClinVar aggregate classification (germline): Pathogenic (1 of 4 stars; one submission).

Conditions:
Charcot-Marie-Tooth disease axonal type 2O. Also called: Charcot-Marie-Tooth disease, axonal, type 20; CHARCOT-MARIE-TOOTH DISEASE, AXONAL, AUTOSOMAL DOMINANT, TYPE 2O; CHARCOT-MARIE-TOOTH NEUROPATHY, AXONAL, TYPE 2O; Charcot-Marie-Tooth Neuropathy Type 2O. Identifiers: Orphanet 284232, MedGen C3280220, MONDO:0013644, OMIM 614228.

Submission:

Labcorp Genetics (formerly Invitae), Labcorp
Classification: Pathogenic for Charcot-Marie-Tooth disease axonal type 2O. Last evaluated: 2024-11-26. Review status: criteria provided, single submitter. Criteria: Invitae Variant Classification Sherloc (09022015). Collection method: clinical testing. Allele origin: germline.
Comment: This sequence change falls in intron 70 of the DYNC1H1 gene. It does not directly change the encoded amino acid sequence of the DYNC1H1 protein. It affects a nucleotide within the consensus splice site. This variant is not present in population databases (gnomAD no frequency). This variant has been observed in individual(s) with DYNC1H1-related conditions (internal data). In at least one individual the variant was observed to be de novo. Variants that disrupt the consensus splice site are a relatively common cause of aberrant splicing (PMID: 17576681, 9536098). Algorithms developed to predict the effect of sequence changes on RNA splicing suggest that this variant may disrupt the consensus splice site. For these reasons, this variant has been classified as Pathogenic.

Literature cited by the submitters: PubMed 17576681; PubMed 9536098.

NM_001376.5(DYNC1H1):c.12684+5G>T

Gene: DYNC1H1 (dynein cytoplasmic 1 heavy chain 1; plus strand). Cytogenetic location: 14q32.31.
Variant type: single nucleotide variant.
Coding change: c.12684+5G>T on transcript NM_001376.5 (MANE Select); 5 bases into the intron after coding-DNA position 12684, G replaced by T.
Molecular consequence: intron variant.
Genome position (GRCh38, 1-based): chr14:102,044,050, G>T. VCF-style: chr14-102044050-G-T. GRCh37 (hg19) VCF-style: chr14-102510387-G-T.
Identifiers: ClinVar variation 3724841 (VCV003724841.2).